The following is an entry in ClinVar:

NM_001377299.1(NDUFS2):c.108G>A (p.Gln36=)

Gene: NDUFS2 (NADH:ubiquinone oxidoreductase core subunit S2; plus strand). Cytogenetic location: 1q23.3.
Variant type: single nucleotide variant.
Coding change: c.108G>A on transcript NM_001377299.1 (MANE Select); coding-DNA position 108, G replaced by A.
Protein change: p.Gln36=; no amino-acid change (glutamine 36 retained).
Molecular consequence: synonymous variant. On other transcripts: non-coding transcript variant (1).
Genome position (GRCh38, 1-based): chr1:161,203,449, G>A. VCF-style: chr1-161203449-G-A. GRCh37 (hg19) VCF-style: chr1-161173239-G-A.
Other names: p.Gln36=; c.108G>A, p.Gln36= (NM_001166159.2, NM_001377298.1, NM_001377300.1 and 4 more transcripts).
Identifiers: ClinVar variation 4683743 (VCV004683743.1).

ClinVar aggregate classification (germline): Likely benign (1 of 4 stars; one submission).

Submission:

Mayo Clinic Laboratories, Mayo Clinic
Classification: Likely benign. Last evaluated: 2025-05-20. Review status: criteria provided, single submitter. Criteria: ACMG Guidelines, 2015. Collection method: clinical testing. Allele origin: germline. Observed: 1 variant allele.
Comment: BP4, BP7